The following is an entry in ClinVar:

NM_005826.5(HNRNPR):c.658C>T (p.Gln220Ter)

Gene: HNRNPR (heterogeneous nuclear ribonucleoprotein R; minus strand). Cytogenetic location: 1p36.12.
Variant type: single nucleotide variant.
Coding change: c.658C>T on transcript NM_005826.5 (MANE Select); coding-DNA position 658, C replaced by T.
Protein change: p.Gln220Ter; replaces glutamine 220 with a stop codon.
Molecular consequence: nonsense. On other transcripts: intron variant (1).
Genome position (GRCh38, 1-based): chr1:23,323,573, G>A on the plus strand (C>T on the coding strand, the complement: HNRNPR is on the minus strand). VCF-style: chr1-23323573-G-A. GRCh37 (hg19) VCF-style: chr1-23650066-G-A.
Other names: c.355C>T, p.Gln119Ter (NM_001102397.3, NM_001102399.3); c.658C>T, p.Gln220Ter (NM_001102398.3); c.544C>T, p.Gln182Ter (NM_001297620.2); c.241C>T, p.Gln81Ter (NM_001297622.2); c.196-1910C>T (NM_001297621.2); short protein forms Q119*, Q182*, Q220*, Q81*.
Identifiers: ClinVar variation 2498395 (VCV002498395.28), dbSNP rs1165141195, ClinGen allele CA339261025.

ClinVar aggregate classification (germline): Uncertain significance (1 of 4 stars; one submission).

Submission:

CeGaT Center for Human Genetics Tuebingen
Classification: Uncertain significance. Last evaluated: 2024-01-01. Review status: criteria provided, single submitter. Criteria: CeGaT Center For Human Genetics Tuebingen Variant Classification Criteria Version 2. Collection method: clinical testing. Allele origin: germline. Affected: yes. Observed: 2 variant alleles.
Comment: HNRNPR: PM2